The following is an entry in ClinVar:

NM_002637.4(PHKA1):c.2003T>C (p.Leu668Ser)

Gene: PHKA1 (phosphorylase kinase regulatory subunit alpha 1; minus strand). Cytogenetic location: Xq13.1.
Variant type: single nucleotide variant.
Coding change: c.2003T>C on transcript NM_002637.4 (MANE Select); coding-DNA position 2003, T replaced by C.
Protein change: p.Leu668Ser; replaces leucine 668 with serine.
Molecular consequence: missense variant. On other transcripts: intron variant (1).
Genome position (GRCh38, 1-based): chrX:72,620,859, A>G on the plus strand (T>C on the coding strand, the complement: PHKA1 is on the minus strand). VCF-style: chrX-72620859-A-G. GRCh37 (hg19) VCF-style: chrX-71840709-A-G.
Other names: c.2003T>C, p.Leu668Ser (NM_001122670.2); c.1961-1554T>C (NM_001172436.2); short protein forms L668S.
Identifiers: ClinVar variation 1472940 (VCV001472940.6), dbSNP rs2052967940, ClinGen allele CA413591172.

ClinVar aggregate classification (germline): Uncertain significance (1 of 4 stars; one submission).

Conditions:
Glycogen storage disease IXd (GSD9D). Also called: GSD IXd; Muscle Phosphorylase Kinase Deficiency. Identifiers: Orphanet 715, MedGen C1845151, MONDO:0010362, OMIM 300559.

Allele frequency attached by ClinVar (database versions not stated): TOPMed 0.00001; gnomAD exomes below 0.00001.
gnomAD v4.1: 2 of 1,211,117 alleles (0.00017%); highest among the groups gnomAD compares: Non-Finnish European, 0.00022%; no homozygotes.

Submission:

Labcorp Genetics (formerly Invitae), Labcorp
Classification: Uncertain significance for Glycogen storage disease IXd. Last evaluated: 2021-09-10. Review status: criteria provided, single submitter. Criteria: Invitae Variant Classification Sherloc (09022015). Collection method: clinical testing. Allele origin: germline.
Comment: This sequence change replaces leucine with serine at codon 668 of the PHKA1 protein (p.Leu668Ser). The leucine residue is moderately conserved and there is a large physicochemical difference between leucine and serine. This variant is not present in population databases (ExAC no frequency). This variant has not been reported in the literature in individuals affected with PHKA1-related conditions. Algorithms developed to predict the effect of missense changes on protein structure and function (SIFT, PolyPhen-2, Align-GVGD) all suggest that this variant is likely to be tolerated. In summary, the available evidence is currently insufficient to determine the role of this variant in disease. Therefore, it has been classified as a Variant of Uncertain Significance.